The following is an entry in ClinVar:

NM_170707.4(LMNA):c.1334_1342dup (p.Val445_Glu447dup)

Gene: LMNA (lamin A/C; plus strand). Cytogenetic location: 1q22.
Variant type: Duplication.
Coding change: c.1334_1342dup on transcript NM_170707.4 (MANE Select); coding-DNA positions 1334 to 1342, 9 bases duplicated (TGGATGAGG; older notation c.1334_1342dupTGGATGAGG).
Protein change: p.Val445_Glu447dup.
Molecular consequence: inframe insertion.
Genome position (GRCh38, 1-based): chr1:156,136,390-156,136,398, TGGATGAGG duplicated; duplicating any 9 consecutive bases within chr1:156,136,386-156,136,398 gives the same sequence; the c. name uses the placement nearest the transcript's 3' end. VCF-style (leftmost placement, unchanged base first): chr1-156136385-G-GGAGGTGGAT. GRCh37 (hg19) VCF-style: chr1-156106176-G-GGAGGTGGAT.
Other names: c.998_1006dup, p.Val333_Glu335dup (NM_001257374.3); c.1091_1099dup, p.Val364_Glu366dup (NM_001282624.2); c.1334_1342dup, p.Val445_Glu447dup (NM_001282625.2, NM_001282626.2, NM_005572.4 and 1 more transcripts).
Identifiers: ClinVar variation 837556 (VCV000837556.9), dbSNP rs1651638404, ClinGen allele CA916080236.

ClinVar aggregate classification (germline): Uncertain significance (1 of 4 stars; one submission).

Conditions:
Charcot-Marie-Tooth disease type 2. Also called: Charcot-Marie-Tooth type 2. Identifiers: Orphanet 64746, MedGen C0270914, MONDO:0018993.

Submission:

Labcorp Genetics (formerly Invitae), Labcorp
Classification: Uncertain significance for Charcot-Marie-Tooth disease type 2. Last evaluated: 2019-02-25. Review status: criteria provided, single submitter. Criteria: Invitae Variant Classification Sherloc (09022015). Collection method: clinical testing. Allele origin: germline.
Comment: In summary, the available evidence is currently insufficient to determine the role of this variant in disease. Therefore, it has been classified as a Variant of Uncertain Significance. Algorithms developed to predict the effect of sequence changes on RNA splicing suggest that this variant may create or strengthen a splice site, but this prediction has not been confirmed by published transcriptional studies. Experimental studies and prediction algorithms are not available for this variant, and the functional significance of the affected amino acid(s) is currently unknown. This variant has been observed in an individual affected with congenital muscular dystrophy (PMID: 20980393). This variant is also known as p.E444_D446 duplication in the literature. This variant is not present in population databases (ExAC no frequency). This variant, c.1334_1342dup, results in the insertion of 3 amino acid(s) to the LMNA protein (p.Val445_Glu447dup), but otherwise preserves the integrity of the reading frame.

Literature cited by the submitters: PubMed 20980393.